The following is an entry in ClinVar:

NM_000535.7(PMS2):c.1251T>C (p.Ile417=)

Gene: PMS2 (PMS1 homolog 2, mismatch repair system component; minus strand). Cytogenetic location: 7p22.1.
Variant type: single nucleotide variant.
Coding change: c.1251T>C on transcript NM_000535.7 (MANE Select); coding-DNA position 1251, T replaced by C.
Protein change: p.Ile417=; no amino-acid change (isoleucine 417 retained).
Molecular consequence: synonymous variant. On other transcripts: non-coding transcript variant (1).
Genome position (GRCh38, 1-based): chr7:5,987,514, A>G on the plus strand (T>C on the coding strand, the complement: PMS2 is on the minus strand). VCF-style: chr7-5987514-A-G. GRCh37 (hg19) VCF-style: chr7-6027145-A-G.
Other names: c.846T>C, p.Ile282= (NM_001322003.2, NM_001322004.2, NM_001322005.2 and 1 more transcripts); c.1095T>C, p.Ile365= (NM_001322006.2); c.933T>C, p.Ile311= (NM_001322007.2, NM_001322008.2); c.690T>C, p.Ile230= (NM_001322010.2); c.318T>C, p.Ile106= (NM_001322011.2, NM_001322012.2); c.678T>C, p.Ile226= (NM_001322013.2); c.1251T>C, p.Ile417= (NM_001322014.2); c.942T>C, p.Ile314= (NM_001322015.2).
Identifiers: ClinVar variation 381667 (VCV000381667.1), dbSNP rs1057521136, ClinGen allele CA16605349.

ClinVar aggregate classification (germline): Likely benign (1 of 4 stars; one submission).

Submission:

GeneDx
Classification: Likely benign. Last evaluated: 2015-11-04. Review status: criteria provided, single submitter. Criteria: GeneDx Variant Classification (06012015). Collection method: clinical testing. Allele origin: germline. Affected: yes.
Comment: This variant is considered likely benign or benign based on one or more of the following criteria: it is a conservative change, it occurs at a poorly conserved position in the protein, it is predicted to be benign by multiple in silico algorithms, and/or has population frequency not consistent with disease.